The following is an entry in ClinVar:

NM_030632.3(ASXL3):c.1626del (p.Ile544fs)

Gene: ASXL3 (ASXL transcriptional regulator 3; plus strand). Cytogenetic location: 18q12.1.
Variant type: Deletion.
Coding change: c.1626del on transcript NM_030632.3 (MANE Select); coding-DNA position 1626, one base deleted (T; older notation c.1626delT).
Protein change: p.Ile544fs; shifts the reading frame from isoleucine 544.
Molecular consequence: frameshift variant.
Genome position (GRCh38, 1-based): chr18:33,739,030, T deleted. VCF-style (leftmost placement, unchanged base first): chr18-33739029-CT-C. GRCh37 (hg19) VCF-style: chr18-31318993-CT-C.
Other names: short protein forms I544fs.
Identifiers: ClinVar variation 3958502 (VCV003958502.1).
Genomic context (GRCh38, chr18:33,739,029, plus strand): 5'-AGTCAGAATCACCCCAGGAAGAAATGACAGTTGTTATCGATCAGTTAGAAGTCTGTGACT[CT>C]CTTATTCCTTCCACTTCATCTATGACTCATGTCAGTGACACAGAACATAAGGAGTCAGAA-3'

ClinVar aggregate classification (germline): Pathogenic (1 of 4 stars; one submission).

Conditions:
Inborn genetic diseases. Identifiers: MedGen C0950123, MeSH D030342.

Submission:

Ambry Genetics
Classification: Pathogenic for Inborn genetic diseases. Last evaluated: 2025-05-30. Review status: criteria provided, single submitter. Criteria: Ambry Variant Classification Scheme 2023. Collection method: clinical testing. Allele origin: germline.
Comment: The c.1626delT (p.I544Ffs*7) alteration, located in exon 11 (coding exon 11) of the ASXL3 gene, consists of a deletion of one nucleotide at position 1626, causing a translational frameshift with a predicted alternate stop codon after 7 amino acids. This alteration is expected to result in loss of function by premature protein truncation or nonsense-mediated mRNA decay. This variant was not reported in population-based cohorts in the Genome Aggregation Database (gnomAD). Based on the available evidence, this alteration is classified as pathogenic.